The following is an entry in ClinVar:

NM_001161403.3(LIMS2):c.442G>A (p.Asp148Asn)

Gene: LIMS2 (LIM zinc finger domain containing 2; minus strand). Cytogenetic location: 2q14.3.
Variant type: single nucleotide variant.
Coding change: c.442G>A on transcript NM_001161403.3 (MANE Select); coding-DNA position 442, G replaced by A.
Protein change: p.Asp148Asn; replaces aspartic acid 148 with asparagine.
Molecular consequence: missense variant. On other transcripts: 5 prime UTR variant (1).
Genome position (GRCh38, 1-based): chr2:127,642,990, C>T on the plus strand (G>A on the coding strand, the complement: LIMS2 is on the minus strand). VCF-style: chr2-127642990-C-T. GRCh37 (hg19) VCF-style: chr2-128400565-C-T.
Other names: c.508G>A, p.Asp170Asn (NM_001136037.4); c.427G>A, p.Asp143Asn (NM_001161404.2); c.-15G>A (NM_001161405.1, NM_001256542.2); c.514G>A, p.Asp172Asn (NM_017980.5); short protein forms D143N, D148N, D170N, D172N.
Identifiers: ClinVar variation 2149320 (VCV002149320.4), dbSNP rs756568588, ClinGen allele CA1863053.

ClinVar aggregate classification (germline): Uncertain significance (1 of 4 stars; one submission).

Conditions:
Autosomal recessive limb-girdle muscular dystrophy type 2W (MDRCMTT). Also called: Muscular dystrophy, limb-girdle, type 2W; Muscular dystrophy, autosomal recessive, with cardiomyopathy and triangular tongue. Identifiers: MedGen C4225192, MONDO:0014788, OMIM 616827.

Allele frequency attached by ClinVar (database versions not stated): gnomAD exomes 0.00002; gnomAD 0.00003; TOPMed 0.00004; ExAC 0.00010.
gnomAD v4.1: 37 of 1,576,000 alleles (0.0023%); highest among the groups gnomAD compares: South Asian, 0.0081%; 1 homozygote.

Submission:

Labcorp Genetics (formerly Invitae), Labcorp
Classification: Uncertain significance for Autosomal recessive limb-girdle muscular dystrophy type 2W. Last evaluated: 2024-12-10. Review status: criteria provided, single submitter. Criteria: Invitae Variant Classification Sherloc (09022015). Collection method: clinical testing. Allele origin: germline.
Comment: This sequence change replaces aspartic acid, which is acidic and polar, with asparagine, which is neutral and polar, at codon 170 of the LIMS2 protein (p.Asp170Asn). This variant is present in population databases (rs756568588, gnomAD 0.01%). This variant has not been reported in the literature in individuals affected with LIMS2-related conditions. ClinVar contains an entry for this variant (Variation ID: 2149320). Invitae Evidence Modeling of protein sequence and biophysical properties (such as structural, functional, and spatial information, amino acid conservation, physicochemical variation, residue mobility, and thermodynamic stability) indicates that this missense variant is not expected to disrupt LIMS2 protein function with a negative predictive value of 80%. In summary, the available evidence is currently insufficient to determine the role of this variant in disease. Therefore, it has been classified as a Variant of Uncertain Significance.